The following is an entry in ClinVar:

ClinVar aggregate classification (germline): Uncertain significance (1 of 4 stars; one submission).

Conditions:
ATM-related disorder. Also called: ATM-related disorders; ATM-related condition.

Submission:

PreventionGenetics, part of Exact Sciences
Classification: Uncertain significance for ATM-related condition. Last evaluated: 2024-12-13. Review status: criteria provided, single submitter. Criteria: ACMG Guidelines, 2015. Collection method: clinical testing. Allele origin: germline.
Comment: The ATM c.413G>T variant is predicted to result in the amino acid substitution p.Gly138Val. To our knowledge, this variant has not been reported in the literature or in a large population database (gnomAD), indicating this variant is rare. At the time of reporting, this variant is absent from the ClinVar database. At this time, the clinical significance of this variant is uncertain due to the absence of conclusive functional and genetic evidence.

NM_000051.4(ATM):c.413G>T (p.Gly138Val)

Gene: ATM (ATM serine/threonine kinase; plus strand). Cytogenetic location: 11q22.3.
Variant type: single nucleotide variant.
Coding change: c.413G>T on transcript NM_000051.4 (MANE Select); coding-DNA position 413, G replaced by T.
Protein change: p.Gly138Val; replaces glycine 138 with valine.
Molecular consequence: missense variant.
Genome position (GRCh38, 1-based): chr11:108,235,751, G>T. VCF-style: chr11-108235751-G-T. GRCh37 (hg19) VCF-style: chr11-108106478-G-T.
Other names: c.413G>T, p.Gly138Val (NM_001351834.2); short protein forms G138V.
Identifiers: ClinVar variation 4999258 (VCV004999258.1).